The following is an entry in ClinVar:

ClinVar aggregate classification (germline): Uncertain significance (1 of 4 stars; one submission).

Conditions:
Familial hemophagocytic lymphohistiocytosis 5. Also called: STXBP2-Related Familial Hemophagocytic Lymphohistiocytosis (STXBP2-fHLH). Identifiers: Orphanet 540, MedGen C2751293, MONDO:0013135, OMIM 613101.

Submission:

Labcorp Genetics (formerly Invitae), Labcorp
Classification: Uncertain significance for Familial hemophagocytic lymphohistiocytosis 5. Last evaluated: 2021-03-20. Review status: criteria provided, single submitter. Criteria: Invitae Variant Classification Sherloc (09022015). Collection method: clinical testing. Allele origin: germline.
Comment: This sequence change replaces alanine with threonine at codon 199 of the STXBP2 protein (p.Ala199Thr). The alanine residue is moderately conserved and there is a small physicochemical difference between alanine and threonine. This variant is not present in population databases (ExAC no frequency). This variant has not been reported in the literature in individuals with STXBP2-related conditions. Algorithms developed to predict the effect of missense changes on protein structure and function are either unavailable or do not agree on the potential impact of this missense change (SIFT: "Tolerated"; PolyPhen-2: "Possibly Damaging"; Align-GVGD: "Class C0"). In summary, the available evidence is currently insufficient to determine the role of this variant in disease. Therefore, it has been classified as a Variant of Uncertain Significance.

NM_006949.4(STXBP2):c.595G>A (p.Ala199Thr)

Gene: STXBP2 (syntaxin binding protein 2; plus strand). Cytogenetic location: 19p13.2.
Variant type: single nucleotide variant.
Coding change: c.595G>A on transcript NM_006949.4 (MANE Select); coding-DNA position 595, G replaced by A.
Protein change: p.Ala199Thr; replaces alanine 199 with threonine.
Molecular consequence: missense variant. On other transcripts: non-coding transcript variant (1).
Genome position (GRCh38, 1-based): chr19:7,642,050, G>A. VCF-style: chr19-7642050-G-A. GRCh37 (hg19) VCF-style: chr19-7706936-G-A.
Other names: c.586G>A, p.Ala196Thr (NM_001127396.3); c.628G>A, p.Ala210Thr (NM_001272034.2); short protein forms A196T, A210T, A199T.
Identifiers: ClinVar variation 1383250 (VCV001383250.7), dbSNP rs2146217053, ClinGen allele CA403158554.